The following is an entry in ClinVar:

NM_001184.4(ATR):c.1211G>A (p.Ser404Asn)

Gene: ATR (ATR checkpoint kinase; minus strand). Cytogenetic location: 3q23.
Variant type: single nucleotide variant.
Coding change: c.1211G>A on transcript NM_001184.4 (MANE Select); coding-DNA position 1211, G replaced by A.
Protein change: p.Ser404Asn; replaces serine 404 with asparagine.
Molecular consequence: missense variant.
Genome position (GRCh38, 1-based): chr3:142,561,381, C>T on the plus strand (G>A on the coding strand, the complement: ATR is on the minus strand). VCF-style: chr3-142561381-C-T. GRCh37 (hg19) VCF-style: chr3-142280223-C-T.
Other names: c.1211G>A, p.Ser404Asn (NM_001354579.2); c.1211G>A (NM_001184.3); short protein forms S404N.
Identifiers: ClinVar variation 2397705 (VCV002397705.6), dbSNP rs775178624, ClinGen allele CA2650650.

ClinVar aggregate classification (germline): Uncertain significance. Review status: criteria provided, multiple submitters, no conflicts (2 of 4 stars). 2 submissions from 2 submitters: Uncertain significance (2). Last evaluated 2024-01-27.

Conditions:
Inborn genetic diseases. Identifiers: MedGen C0950123, MeSH D030342.

Allele frequency attached by ClinVar (database versions not stated): gnomAD exomes 0.00001; ExAC 0.00002; gnomAD 0.00004; TOPMed 0.00006.
gnomAD v4.1: 10 of 1,613,878 alleles (0.00062%); highest among the groups gnomAD compares: Middle Eastern, 0.016%; no homozygotes.

Submissions (2):

Labcorp Genetics (formerly Invitae), Labcorp
Classification: Uncertain significance. Last evaluated: 2024-01-27. Review status: criteria provided, single submitter. Criteria: Invitae Variant Classification Sherloc (09022015). Collection method: clinical testing. Allele origin: germline.
Comment: This sequence change replaces serine, which is neutral and polar, with asparagine, which is neutral and polar, at codon 404 of the ATR protein (p.Ser404Asn). This variant is present in population databases (rs775178624, gnomAD 0.01%). This variant has not been reported in the literature in individuals affected with ATR-related conditions. ClinVar contains an entry for this variant (Variation ID: 2397705). An algorithm developed to predict the effect of missense changes on protein structure and function (PolyPhen-2) suggests that this variant¬†is likely to be tolerated. In summary, the available evidence is currently insufficient to determine the role of this variant in disease. Therefore, it has been classified as a Variant of Uncertain Significance.

Ambry Genetics
Classification: Uncertain significance for Inborn genetic diseases. Last evaluated: 2021-09-16. Review status: criteria provided, single submitter. Criteria: Ambry Variant Classification Scheme 2023. Collection method: clinical testing. Allele origin: germline.